The following is an entry in ClinVar:

ClinVar aggregate classification (germline): Uncertain significance (1 of 4 stars; one submission).

gnomAD v4.1: 6 of 1,312,016 alleles (0.00046%); highest among the groups gnomAD compares: African/African-American, 0.0062%; no homozygotes.

Submission:

Ambry Genetics
Classification: Uncertain significance. Last evaluated: 2024-12-23. Review status: criteria provided, single submitter. Criteria: Ambry Variant Classification Scheme 2023. Collection method: clinical testing. Allele origin: germline.
Comment: The p.V46L variant (also known as c.136G>C), located in coding exon 1 of the WNK2 gene, results from a G to C substitution at nucleotide position 136. The valine at codon 46 is replaced by leucine, an amino acid with highly similar properties. This amino acid position is conserved. In addition, this alteration is predicted to be tolerated by in silico analysis. Based on the available evidence, the clinical significance of this variant remains unclear.

NM_006648.4(WNK2):c.136G>C (p.Val46Leu)

Gene: WNK2 (WNK lysine deficient protein kinase 2; plus strand). Cytogenetic location: 9q22.31.
Variant type: single nucleotide variant.
Coding change: c.136G>C on transcript NM_006648.4 (MANE Select); coding-DNA position 136, G replaced by C.
Protein change: p.Val46Leu; replaces valine 46 with leucine.
Molecular consequence: missense variant.
Genome position (GRCh38, 1-based): chr9:93,185,065, G>C. VCF-style: chr9-93185065-G-C. GRCh37 (hg19) VCF-style: chr9-95947347-G-C.
Other names: c.136G>C, p.Val46Leu (NM_001282394.3); short protein forms V46L.
Identifiers: ClinVar variation 3816619 (VCV003816619.1).